The following is an entry in ClinVar:

ClinVar aggregate classification (germline): Likely benign (0 of 4 stars; one submission).

Conditions:
CREBBP-related disorder. Also called: CREBBP-related condition; CREBBP-related disorders.

Submission:

PreventionGenetics, part of Exact Sciences
Classification: Likely benign for CREBBP-related condition. Last evaluated: 2023-07-20. Review status: no assertion criteria provided. Collection method: clinical testing. Allele origin: germline.
Comment: This variant is classified as likely benign based on ACMG/AMP sequence variant interpretation guidelines (Richards et al. 2015 PMID: 25741868, with internal and published modifications).

NM_004380.3(CREBBP):c.5991C>G (p.Pro1997=)

Gene: CREBBP (CREB binding lysine acetyltransferase; minus strand). Cytogenetic location: 16p13.3.
Variant type: single nucleotide variant.
Coding change: c.5991C>G on transcript NM_004380.3 (MANE Select); coding-DNA position 5991, C replaced by G.
Protein change: p.Pro1997=; no amino-acid change (proline 1997 retained).
Molecular consequence: synonymous variant.
Genome position (GRCh38, 1-based): chr16:3,729,056, G>C on the plus strand (C>G on the coding strand, the complement: CREBBP is on the minus strand). VCF-style: chr16-3729056-G-C. GRCh37 (hg19) VCF-style: chr16-3779057-G-C.
Other names: c.5877C>G, p.Pro1959= (NM_001079846.1).
Identifiers: ClinVar variation 3032469 (VCV003032469.2), dbSNP rs201101808, ClinGen allele CA493394220.